The following is an entry in ClinVar:

NM_000264.5(PTCH1):c.1092C>G (p.Phe364Leu)

Gene: PTCH1 (patched 1; minus strand). Cytogenetic location: 9q22.32.
Variant type: single nucleotide variant.
Coding change: c.1092C>G on transcript NM_000264.5 (MANE Select); coding-DNA position 1092, C replaced by G.
Protein change: p.Phe364Leu; replaces phenylalanine 364 with leucine.
Molecular consequence: missense variant. On other transcripts: non-coding transcript variant (1).
Genome position (GRCh38, 1-based): chr9:95,479,123, G>C on the plus strand (C>G on the coding strand, the complement: PTCH1 is on the minus strand). VCF-style: chr9-95479123-G-C. GRCh37 (hg19) VCF-style: chr9-98241405-G-C.
Other names: c.894C>G, p.Phe298Leu (NM_001083602.3); c.1089C>G, p.Phe363Leu (NM_001083603.3); c.639C>G, p.Phe213Leu (NM_001083604.3, NM_001083605.3, NM_001083606.3 and 1 more transcripts); c.1092C>G, p.Phe364Leu (NM_001354918.2); short protein forms F213L, F363L, F298L, F364L.
Identifiers: ClinVar variation 1460758 (VCV001460758.6), dbSNP rs2118367698, ClinGen allele CA374119489.

ClinVar aggregate classification (germline): Uncertain significance (1 of 4 stars; one submission).

Conditions:
Gorlin syndrome. Also called: Nevoid Basal Cell Carcinoma Syndrome; Basal cell nevus syndrome. Identifiers: Orphanet 377, MedGen C0004779, MONDO:0007187.

Submission:

Labcorp Genetics (formerly Invitae), Labcorp
Classification: Uncertain significance for Gorlin syndrome. Last evaluated: 2021-08-17. Review status: criteria provided, single submitter. Criteria: Invitae Variant Classification Sherloc (09022015). Collection method: clinical testing. Allele origin: germline.
Comment: This variant has not been reported in the literature in individuals affected with PTCH1-related conditions. Advanced modeling of protein sequence and biophysical properties (such as structural, functional, and spatial information, amino acid conservation, physicochemical variation, residue mobility, and thermodynamic stability) performed at Invitae indicates that this missense variant is not expected to disrupt PTCH1 protein function. In summary, the available evidence is currently insufficient to determine the role of this variant in disease. Therefore, it has been classified as a Variant of Uncertain Significance. This variant is not present in population databases (ExAC no frequency). This sequence change replaces phenylalanine with leucine at codon 364 of the PTCH1 protein (p.Phe364Leu). The phenylalanine residue is moderately conserved and there is a small physicochemical difference between phenylalanine and leucine.